The following is an entry in ClinVar:

NM_005732.4(RAD50):c.474_481del (p.His158fs)

Gene: RAD50 (RAD50 double strand break repair protein; plus strand). Cytogenetic location: 5q31.1.
Variant type: Deletion.
Coding change: c.474_481del on transcript NM_005732.4 (MANE Select); coding-DNA positions 474 to 481, 8 bases deleted (TCAAGAAG; older notation c.474_481delTCAAGAAG).
Protein change: p.His158fs; shifts the reading frame from histidine 158.
Molecular consequence: frameshift variant.
Genome position (GRCh38, 1-based): chr5:132,579,425-132,579,432, TCAAGAAG deleted. VCF-style (leftmost placement, unchanged base first): chr5-132579424-ATCAAGAAG-A. GRCh37 (hg19) VCF-style: chr5-131915116-ATCAAGAAG-A.
Other names: short protein forms H158fs.
Identifiers: ClinVar variation 1074938 (VCV001074938.7), dbSNP rs1303748284, ClinGen allele CA804018872.
Genomic context (GRCh38, chr5:132,579,424, plus strand): 5'-GAGAAATGATCAGTTCTCTTGGGGTTTCCAAGGCTGTGCTAAATAATGTCATTTTCTGTC[ATCAAGAAG>A]ATTCTAATTGGCCTTTAAGTGAAGGAAAGGCTTTGAAGCAAAAGTTTGATGAGATTTTTT-3'

ClinVar aggregate classification (germline): Pathogenic (1 of 4 stars; one submission).

Conditions:
Hereditary cancer-predisposing syndrome. Also called: Tumor predisposition; Hereditary neoplastic syndrome; Neoplastic Syndromes, Hereditary; Hereditary Cancer Syndrome. Identifiers: Orphanet 140162, MedGen C0027672, MeSH D009386, MONDO:0015356.

Allele frequency attached by ClinVar (database versions not stated): TOPMed below 0.00001.

Submission:

Labcorp Genetics (formerly Invitae), Labcorp
Classification: Pathogenic for Hereditary cancer-predisposing syndrome. Last evaluated: 2023-07-03. Review status: criteria provided, single submitter. Criteria: Invitae Variant Classification Sherloc (09022015). Collection method: clinical testing. Allele origin: germline.
Comment: This sequence change creates a premature translational stop signal (p.His158Glnfs*3) in the RAD50 gene. It is expected to result in an absent or disrupted protein product. Loss-of-function variants in RAD50 are known to be pathogenic (PMID: 19409520). This variant is not present in population databases (gnomAD no frequency). This variant has not been reported in the literature in individuals affected with RAD50-related conditions. ClinVar contains an entry for this variant (Variation ID: 1074938). Studies have shown that this premature translational stop signal is associated with altered splicing resulting in multiple RNA products (Invitae). For these reasons, this variant has been classified as Pathogenic.

Literature cited by the submitters: PubMed 19409520.